The following is an entry in ClinVar:

ClinVar aggregate classification (germline): Uncertain significance (1 of 4 stars; one submission).

Conditions:
Ataxia-telangiectasia syndrome (AT). Also called: ATAXIA-TELANGIECTASIA, COMPLEMENTATION GROUP A; ATAXIA-TELANGIECTASIA, FRESNO VARIANT; Ataxia-telangiectasia; Ataxia-telangiectasia, complementation group D; AT, COMPLEMENTATION GROUP C; Ataxia-telangiectasia, complementation group E. Identifiers: Orphanet 100, MedGen C0004135, MONDO:0008840, OMIM 208900.

Submission:

Labcorp Genetics (formerly Invitae), Labcorp
Classification: Uncertain significance for Ataxia-telangiectasia syndrome. Last evaluated: 2023-09-18. Review status: criteria provided, single submitter. Criteria: Invitae Variant Classification Sherloc (09022015). Collection method: clinical testing. Allele origin: germline.
Comment: In summary, the available evidence is currently insufficient to determine the role of this variant in disease. Therefore, it has been classified as a Variant of Uncertain Significance. An algorithm developed to predict the effect of missense changes on protein structure and function (PolyPhen-2) suggests that this variant¬†is likely to be tolerated. ClinVar contains an entry for this variant (Variation ID: 524410). This variant has not been reported in the literature in individuals affected with ATM-related conditions. This variant is not present in population databases (gnomAD no frequency). This sequence change replaces leucine, which is neutral and non-polar, with valine, which is neutral and non-polar, at codon 271 of the ATM protein (p.Leu271Val).

NM_000051.4(ATM):c.811C>G (p.Leu271Val)

Gene: ATM (ATM serine/threonine kinase; plus strand). Cytogenetic location: 11q22.3.
Variant type: single nucleotide variant.
Coding change: c.811C>G on transcript NM_000051.4 (MANE Select); coding-DNA position 811, C replaced by G.
Protein change: p.Leu271Val; replaces leucine 271 with valine.
Molecular consequence: missense variant.
Genome position (GRCh38, 1-based): chr11:108,244,936, C>G. VCF-style: chr11-108244936-C-G. GRCh37 (hg19) VCF-style: chr11-108115663-C-G.
Other names: c.811C>G, p.Leu271Val (NM_001351834.2); short protein forms L271V.
Identifiers: ClinVar variation 524410 (VCV000524410.6), dbSNP rs730881339, ClinGen allele CA382529394.